The following is an entry in ClinVar:

NM_003900.5(SQSTM1):c.104C>T (p.Ala35Val)

Gene: SQSTM1 (sequestosome 1; plus strand). Cytogenetic location: 5q35.3.
Variant type: single nucleotide variant.
Coding change: c.104C>T on transcript NM_003900.5 (MANE Select); coding-DNA position 104, C replaced by T.
Protein change: p.Ala35Val; replaces alanine 35 with valine.
Molecular consequence: missense variant. On other transcripts: intron variant (2).
Genome position (GRCh38, 1-based): chr5:179,821,040, C>T. VCF-style: chr5-179821040-C-T. GRCh37 (hg19) VCF-style: chr5-179248040-C-T.
Other names: c.-47-1918C>T (NM_001142298.2, NM_001142299.2); short protein forms A35V.
Identifiers: ClinVar variation 2630870 (VCV002630870.1), dbSNP rs2480199053, ClinGen allele CA362442370.

ClinVar aggregate classification (germline): Uncertain significance (1 of 4 stars; one submission).

Conditions:
SQSTM1-related disorder. Also called: SQSTM1-Related Disorders.

gnomAD v4.1: 9 of 1,550,102 alleles (0.00058%); highest among the groups gnomAD compares: South Asian, 0.011%; no homozygotes.

Submission:

PreventionGenetics, part of Exact Sciences
Classification: Uncertain significance for SQSTM1-related condition. Last evaluated: 2023-09-12. Review status: criteria provided, single submitter. Criteria: ACMG Guidelines, 2015. Collection method: clinical testing. Allele origin: germline.
Comment: The SQSTM1 c.104C>T variant is predicted to result in the amino acid substitution p.Ala35Val. To our knowledge, this variant has not been reported in the literature or in a large population database, indicating this variant is rare. At this time, the clinical significance of this variant is uncertain due to the absence of conclusive functional and genetic evidence.